The following is an entry in ClinVar:

ClinVar aggregate classification (germline): Likely benign (0 of 4 stars; one submission).

Conditions:
PKD1-related disorder. Also called: PKD1-related condition.

Allele frequency attached by ClinVar (database versions not stated): ExAC 0.00001; gnomAD exomes 0.00001; TOPMed 0.00001.

Submission:

PreventionGenetics, part of Exact Sciences
Classification: Likely benign for PKD1-related condition. Last evaluated: 2022-08-10. Review status: no assertion criteria provided. Collection method: clinical testing. Allele origin: germline.
Comment: This variant is classified as likely benign based on ACMG/AMP sequence variant interpretation guidelines (Richards et al. 2015 PMID: 25741868, with internal and published modifications).

NM_001009944.3(PKD1):c.2460A>C (p.Pro820=)

Gene: PKD1 (polycystin 1, transient receptor potential channel interacting; minus strand). Cytogenetic location: 16p13.3.
Variant type: single nucleotide variant.
Coding change: c.2460A>C on transcript NM_001009944.3 (MANE Select); coding-DNA position 2460, A replaced by C.
Protein change: p.Pro820=; no amino-acid change (proline 820 retained).
Molecular consequence: synonymous variant.
Genome position (GRCh38, 1-based): chr16:2,114,563, T>G on the plus strand (A>C on the coding strand, the complement: PKD1 is on the minus strand). VCF-style: chr16-2114563-T-G. GRCh37 (hg19) VCF-style: chr16-2164564-T-G.
Other names: c.2460A>C, p.Pro820= (NM_000296.4).
Identifiers: ClinVar variation 3057511 (VCV003057511.2), dbSNP rs754992351, ClinGen allele CA7833210.